The following is an entry in ClinVar:

ClinVar aggregate classification (germline): Uncertain significance. Review status: criteria provided, multiple submitters, no conflicts (2 of 4 stars). 2 submissions from 2 submitters: Uncertain significance (2). Last evaluated 2026-04-14.

Conditions:
Hypertrophic cardiomyopathy 14. Identifiers: MedGen C2750467, MONDO:0013197, OMIM 613251.

Submissions (2):

GeneDx
Classification: Uncertain significance. Last evaluated: 2026-04-14. Review status: criteria provided, single submitter. Criteria: GeneDx Variant Classification Process June 2021. Collection method: clinical testing. Allele origin: germline.
Comment: Not observed at significant frequency in large population cohorts (gnomAD); In silico analysis suggests that this missense variant does not alter protein structure/function; This variant is associated with the following publications: (PMID: 33057194, 35982159)

Labcorp Genetics (formerly Invitae), Labcorp
Classification: Uncertain significance for Hypertrophic cardiomyopathy 14. Last evaluated: 2022-04-25. Review status: criteria provided, single submitter. Criteria: Invitae Variant Classification Sherloc (09022015). Collection method: clinical testing. Allele origin: germline.
Comment: Algorithms developed to predict the effect of missense changes on protein structure and function (SIFT, PolyPhen-2, Align-GVGD) all suggest that this variant is likely to be tolerated. In summary, the available evidence is currently insufficient to determine the role of this variant in disease. Therefore, it has been classified as a Variant of Uncertain Significance. This variant has not been reported in the literature in individuals affected with MYH6-related conditions. This sequence change replaces valine, which is neutral and non-polar, with isoleucine, which is neutral and non-polar, at codon 1027 of the MYH6 protein (p.Val1027Ile). This variant is not present in population databases (gnomAD no frequency).

NM_002471.4(MYH6):c.3079G>A (p.Val1027Ile)

Gene: MYH6 (myosin heavy chain 6; minus strand). Cytogenetic location: 14q11.2.
Variant type: single nucleotide variant.
Coding change: c.3079G>A on transcript NM_002471.4 (MANE Select); coding-DNA position 3079, G replaced by A.
Protein change: p.Val1027Ile; replaces valine 1027 with isoleucine.
Molecular consequence: missense variant.
Genome position (GRCh38, 1-based): chr14:23,393,368, C>T on the plus strand (G>A on the coding strand, the complement: MYH6 is on the minus strand). VCF-style: chr14-23393368-C-T. GRCh37 (hg19) VCF-style: chr14-23862577-C-T.
Other names: short protein forms V1027I.
Identifiers: ClinVar variation 2165205 (VCV002165205.5), dbSNP rs2502168898, ClinGen allele CA389010272.